The following is an entry in ClinVar:

NM_000053.4(ATP7B):c.2121G>A (p.Gln707=)

Gene: ATP7B (ATPase copper transporting beta; minus strand). Cytogenetic location: 13q14.3.
Variant type: single nucleotide variant.
Coding change: c.2121G>A on transcript NM_000053.4 (MANE Select); coding-DNA position 2121, G replaced by A.
Protein change: p.Gln707=; no amino-acid change (glutamine 707 retained).
Molecular consequence: synonymous variant. On other transcripts: intron variant (13).
Genome position (GRCh38, 1-based): chr13:51,960,148, C>T on the plus strand (G>A on the coding strand, the complement: ATP7B is on the minus strand). VCF-style: chr13-51960148-C-T. GRCh37 (hg19) VCF-style: chr13-52534284-C-T.
Other names: c.1788G>A, p.Gln596= (NM_001243182.2); c.2121G>A, p.Gln707= (NM_001330578.2, NM_001406511.1, NM_001406512.1 and 16 more transcripts); c.2088G>A, p.Gln696= (NM_001406514.1, NM_001406524.1); c.2025G>A, p.Gln675= (NM_001406517.1, NM_001406518.1, NM_001406530.1 and 1 more transcripts); c.1692G>A, p.Gln564= (NM_001406539.1); c.1870-2541G>A (NM_001406541.1, NM_001005918.3, NM_001406546.1 and 1 more transcripts); c.1870-1604G>A (NM_001406531.1, NM_001406532.1, NM_001406540.1 and 1 more transcripts); c.1774-1604G>A (NM_001406543.1); and 3 more.
Identifiers: ClinVar variation 4526070 (VCV004526070.1).

ClinVar aggregate classification (germline): Uncertain significance (1 of 4 stars; one submission).

gnomAD v4.1: 1 of 1,613,742 alleles (0.000062%); highest among the groups gnomAD compares: South Asian, 0.0011%; no homozygotes.

Submission:

Women's Health and Genetics/Laboratory Corporation of America, LabCorp
Classification: Uncertain significance. Last evaluated: 2025-07-08. Review status: criteria provided, single submitter. Criteria: LabCorp Variant Classification Summary - May 2015. Collection method: clinical testing. Allele origin: germline.
Comment: Variant summary: ATP7B c.2121G>A (p.Gln707Gln) alters a conserved nucleotide located close to a canonical splice site and therefore could affect mRNA splicing, leading to a significantly altered protein sequence. Several computational tools predict a significant impact on normal splicing: Four predict the variant abolishes or weakens a 5' splicing donor site. However, these predictions have yet to be confirmed by functional studies. The variant was absent in 249170 control chromosomes. The available data on variant occurrences in the general population are insufficient to allow any conclusion about variant significance. c.2121G>A has been observed in at least one individual affected with Wilson Disease without reported genotype or second variant (e.g. Nayagam_2023). These report(s) do not provide unequivocal conclusions about association of the variant with Wilson Disease. To our knowledge, no experimental evidence demonstrating an impact on protein function has been reported. The following publication has been ascertained in the context of this evaluation (PMID: 36096368). No submitters have cited clinical-significance assessments for this variant to ClinVar. Based on the evidence outlined above, the variant was classified as uncertain significance.

Literature cited by the submitters: PubMed 36096368.